The following is an entry in ClinVar:

ClinVar aggregate classification (germline): Uncertain significance (1 of 4 stars; one submission).

gnomAD v4.1: 6 of 1,206,460 alleles (0.0005%); highest among the groups gnomAD compares: South Asian, 0.0018%; no homozygotes.

Submission:

Labcorp Genetics (formerly Invitae), Labcorp
Classification: Uncertain significance. Last evaluated: 2024-11-27. Review status: criteria provided, single submitter. Criteria: Invitae Variant Classification Sherloc (09022015). Collection method: clinical testing. Allele origin: germline.
Comment: This sequence change replaces histidine, which is basic and polar, with tyrosine, which is neutral and polar, at codon 342 of the POLA1 protein (p.His342Tyr). This variant is present in population databases (no rsID available, gnomAD 0.001%). This variant has not been reported in the literature in individuals affected with POLA1-related conditions. Invitae Evidence Modeling of protein sequence and biophysical properties (such as structural, functional, and spatial information, amino acid conservation, physicochemical variation, residue mobility, and thermodynamic stability) indicates that this missense variant is not expected to disrupt POLA1 protein function with a negative predictive value of 80%. In summary, the available evidence is currently insufficient to determine the role of this variant in disease. Therefore, it has been classified as a Variant of Uncertain Significance.

NM_001330360.2(POLA1):c.1042C>T (p.His348Tyr)

Gene: POLA1 (DNA polymerase alpha 1, catalytic subunit; plus strand). Cytogenetic location: Xp22.11.
Variant type: single nucleotide variant.
Coding change: c.1042C>T on transcript NM_001330360.2 (MANE Select); coding-DNA position 1042, C replaced by T.
Protein change: p.His348Tyr; replaces histidine 348 with tyrosine.
Molecular consequence: missense variant. On other transcripts: non-coding transcript variant (2).
Genome position (GRCh38, 1-based): chrX:24,717,713, C>T. VCF-style: chrX-24717713-C-T. GRCh37 (hg19) VCF-style: chrX-24735830-C-T.
Other names: c.1042C>T, p.His348Tyr (NM_001378303.1); c.1024C>T, p.His342Tyr (NM_016937.4); short protein forms H342Y, H348Y.
Identifiers: ClinVar variation 3613601 (VCV003613601.2).